The following is an entry in ClinVar:

NM_000038.6(APC):c.7142A>G (p.Gln2381Arg)

Gene: APC (APC regulator of Wnt signaling pathway; plus strand). Cytogenetic location: 5q22.2.
Variant type: single nucleotide variant.
Coding change: c.7142A>G on transcript NM_000038.6 (MANE Select); coding-DNA position 7142, A replaced by G.
Protein change: p.Gln2381Arg; replaces glutamine 2381 with arginine.
Molecular consequence: missense variant. On other transcripts: non-coding transcript variant (2).
Genome position (GRCh38, 1-based): chr5:112,842,736, A>G. VCF-style: chr5-112842736-A-G. GRCh37 (hg19) VCF-style: chr5-112178433-A-G.
Other names: c.7142A>G, p.Gln2381Arg (NM_001127510.3, NM_001354895.2, NM_001407450.1); c.7088A>G, p.Gln2363Arg (NM_001127511.3); c.7196A>G, p.Gln2399Arg (NM_001354896.2, NM_001407447.1, NM_001407448.1 and 1 more transcripts); c.7172A>G, p.Gln2391Arg (NM_001354897.2); c.7067A>G, p.Gln2356Arg (NM_001354898.2); c.7058A>G, p.Gln2353Arg (NM_001354899.2); c.7019A>G, p.Gln2340Arg (NM_001354900.2); c.6965A>G, p.Gln2322Arg (NM_001354901.2, NM_001407453.1); and 11 more; short protein forms Q2374R, Q2399R, Q2098R, Q2363R, Q1997R, Q2221R, Q2252R, Q2290R.
Identifiers: ClinVar variation 3882883 (VCV003882883.1).

ClinVar aggregate classification (germline): Uncertain significance (1 of 4 stars; one submission).

Conditions:
Hereditary cancer-predisposing syndrome. Also called: Tumor predisposition; Neoplastic Syndromes, Hereditary; Hereditary Cancer Syndrome; Hereditary neoplastic syndrome. Identifiers: Orphanet 140162, MedGen C0027672, MeSH D009386, MONDO:0015356.

Submission:

Ambry Genetics
Classification: Uncertain significance for Hereditary cancer-predisposing syndrome. Last evaluated: 2025-03-14. Review status: criteria provided, single submitter. Criteria: Ambry Variant Classification Scheme 2023. Collection method: clinical testing. Allele origin: germline.
Comment: The p.Q2381R variant (also known as c.7142A>G), located in coding exon 15 of the APC gene, results from an A to G substitution at nucleotide position 7142. The glutamine at codon 2381 is replaced by arginine, an amino acid with highly similar properties. This amino acid position is conserved. In addition, in silico predictors for this gene do not accurately predict pathogenicity. Based on the available evidence, the clinical significance of this variant remains unclear.